The following is an entry in ClinVar:

ClinVar aggregate classification (germline): Likely benign. Review status: criteria provided, single submitter (1 of 4 stars). 2 submissions from 2 submitters: Likely benign (1). 1 of the submissions does not count toward it. Last evaluated 2023-10-01.

Conditions:
ADAMTS3-related disorder. Also called: ADAMTS3-related condition.

Allele frequency attached by ClinVar (database versions not stated): ExAC 0.00003; gnomAD 0.00005; gnomAD exomes 0.00007; ESP Exome Variant Server 0.00008; TOPMed 0.00008.
gnomAD v4.1: 117 of 1,613,858 alleles (0.0072%); highest among the groups gnomAD compares: Middle Eastern, 0.23%; no homozygotes.

Submissions (2):

CeGaT Center for Human Genetics Tuebingen
Classification: Likely benign. Last evaluated: 2023-10-01. Review status: criteria provided, single submitter. Criteria: CeGaT Center For Human Genetics Tuebingen Variant Classification Criteria Version 2. Collection method: clinical testing. Allele origin: germline. Affected: yes. Observed: 1 variant allele.
Comment: ADAMTS3: BP4, BP7

PreventionGenetics, part of Exact Sciences
Classification: Likely benign for ADAMTS3-related condition. Last evaluated: 2022-11-07. Review status: no assertion criteria provided. Collection method: clinical testing. Allele origin: germline. Not counted in ClinVar's aggregate classification.
Comment: This variant is classified as likely benign based on ACMG/AMP sequence variant interpretation guidelines (Richards et al. 2015 PMID: 25741868, with internal and published modifications).

NM_014243.3(ADAMTS3):c.1017G>A (p.Gln339=)

Gene: ADAMTS3 (ADAM metallopeptidase with thrombospondin type 1 motif 3; minus strand). Cytogenetic location: 4q13.3.
Variant type: single nucleotide variant.
Coding change: c.1017G>A on transcript NM_014243.3 (MANE Select); coding-DNA position 1017, G replaced by A.
Protein change: p.Gln339=; no amino-acid change (glutamine 339 retained).
Molecular consequence: synonymous variant.
Genome position (GRCh38, 1-based): chr4:72,320,799, C>T on the plus strand (G>A on the coding strand, the complement: ADAMTS3 is on the minus strand). VCF-style: chr4-72320799-C-T. GRCh37 (hg19) VCF-style: chr4-73186516-C-T.
Other names: c.1017G>A (NM_014243.2).
Identifiers: ClinVar variation 2654810 (VCV002654810.25), dbSNP rs147002650, ClinGen allele CA2957070.